The following is an entry in ClinVar:

NM_022829.6(SLC13A3):c.15AGC[3] (p.Ala8_Lys9insAla)

Gene: SLC13A3 (solute carrier family 13 member 3; minus strand). Cytogenetic location: 20q13.12.
Variant type: Microsatellite.
Coding change: c.15AGC[3] on transcript NM_022829.6 (MANE Select); three copies in a row of the 3-base unit AGC starting at c.15; the reference has two copies in a row; one copy, 3 bases duplicated.
Protein change: p.Ala8_Lys9insAla.
Molecular consequence: inframe insertion. On other transcripts: 5 prime UTR variant (1), intron variant (2).
Genome position (GRCh38, 1-based): chr20:46,651,402-46,651,404, GCT duplicated on the plus strand (AGC on the coding strand, the reverse complement: SLC13A3 is on the minus strand); duplicating any 3 consecutive bases within chr20:46,651,402-46,651,409 gives the same sequence; the position shown is the placement nearest the transcript's 3' end. VCF-style (leftmost placement, unchanged base first): chr20-46651401-C-CGCT. GRCh37 (hg19) VCF-style: chr20-45280040-C-CGCT.
Other names: c.15AGC[3], p.Ala8_Lys9insAla (NM_001193339.2); c.-107AGC[3] (NM_001193342.2); c.-31+18636AGC[3] (NM_001193340.2, NM_001011554.3).
Identifiers: ClinVar variation 2017810 (VCV002017810.4), dbSNP rs2515514048, ClinGen allele CA2580615019.
Genomic context (GRCh38, chr20:46,651,401, plus strand): 5'-CAGCGCGAGCGGCGTGAACAGCAGCACCAGCAGCCGCCGCGCGCTCCACACCTTCTTGGC[C>CGCT]GCTGCTGCCAGCGCCGCCATCAGCGCGATCGCCTGGCGGTACGGGCCGGCCCGGGACTGC-3'

ClinVar aggregate classification (germline): Uncertain significance (1 of 4 stars; one submission).

Submission:

Labcorp Genetics (formerly Invitae), Labcorp
Classification: Uncertain significance. Last evaluated: 2024-10-22. Review status: criteria provided, single submitter. Criteria: Invitae Variant Classification Sherloc (09022015). Collection method: clinical testing. Allele origin: germline.
Comment: This variant, c.18_20dup, results in the insertion of 1 amino acid(s) of the SLC13A3 protein (p.Ala8dup), but otherwise preserves the integrity of the reading frame. This variant is not present in population databases (gnomAD no frequency). This variant has not been reported in the literature in individuals affected with SLC13A3-related conditions. In summary, the available evidence is currently insufficient to determine the role of this variant in disease. Therefore, it has been classified as a Variant of Uncertain Significance.